The following is an entry in ClinVar:

ClinVar aggregate classification (germline): Likely benign (0 of 4 stars; one submission).

Conditions:
MXI1-related disorder. Also called: MXI1-related condition.

Allele frequency attached by ClinVar (database versions not stated): 1000 Genomes Project 30x 0.00078; 1000 Genomes Project 0.00080; gnomAD 0.00150; gnomAD exomes 0.00163; TOPMed 0.00184; ExAC 0.00223; ESP Exome Variant Server 0.00246.

Submission:

PreventionGenetics, part of Exact Sciences
Classification: Likely benign for MXI1-related condition. Last evaluated: 2020-05-21. Review status: no assertion criteria provided. Collection method: clinical testing. Allele origin: germline.
Comment: This variant is classified as likely benign based on ACMG/AMP sequence variant interpretation guidelines (Richards et al. 2015 PMID: 25741868, with internal and published modifications).

NM_130439.3(MXI1):c.127G>A (p.Ala43Thr)

Gene: MXI1 (MAX interactor 1, dimerization protein; plus strand). Cytogenetic location: 10q25.2.
Variant type: single nucleotide variant.
Coding change: c.127G>A on transcript NM_130439.3 (MANE Select); coding-DNA position 127, G replaced by A.
Protein change: p.Ala43Thr; replaces alanine 43 with threonine.
Molecular consequence: missense variant.
Genome position (GRCh38, 1-based): chr10:110,207,935, G>A. VCF-style: chr10-110207935-G-A. GRCh37 (hg19) VCF-style: chr10-111967693-G-A.
Other names: short protein forms A43T.
Identifiers: ClinVar variation 3052445 (VCV003052445.2), dbSNP rs141964073, ClinGen allele CA5686841.
Genomic context (GRCh38, chr10:110,207,935, plus strand): 5'-CCCCCGGCTGTGCCCCCCGCCGTGGCCGCGCCCCAGCCCCCGGCCCTGCCCGAGGACCCC[G>A]CTGGGGCCAAGCCCAGGTGCCCCTTCTCAGACATTTTCAACACCAGCGAGAACTCGATGG-3'
Protein context (NP_569157.2, residues 33-53): PQPPALPEDP[Ala43Thr]GAKPRCPFSD